The following is an entry in ClinVar:

ClinVar aggregate classification (germline): Pathogenic (1 of 4 stars; one submission).

Submission:

GeneDx
Classification: Pathogenic. Last evaluated: 2019-01-10. Review status: criteria provided, single submitter. Criteria: GeneDx Variant Classification (06012015). Collection method: clinical testing. Allele origin: germline. Affected: yes.
Comment: The S130X variant in the TDP2 gene has not been reported previously as a pathogenic variant nor as a benign variant, to our knowledge. This variant is predicted to cause loss of normal protein function either through protein truncation or nonsense-mediated mRNA decay. The S130X variant is not observed in large population cohorts (Lek et al., 2016). We interpret S130X as a pathogenic variant.

NM_016614.3(TDP2):c.389C>G (p.Ser130Ter)

Gene: TDP2 (tyrosyl-DNA phosphodiesterase 2; minus strand). Cytogenetic location: 6p22.3.
Variant type: single nucleotide variant.
Coding change: c.389C>G on transcript NM_016614.3 (MANE Select); coding-DNA position 389, C replaced by G.
Protein change: p.Ser130Ter; replaces serine 130 with a stop codon.
Molecular consequence: nonsense.
Genome position (GRCh38, 1-based): chr6:24,658,597, G>C on the plus strand (C>G on the coding strand, the complement: TDP2 is on the minus strand). VCF-style: chr6-24658597-G-C. GRCh37 (hg19) VCF-style: chr6-24658825-G-C.
Other names: short protein forms S130*.
Identifiers: ClinVar variation 620174 (VCV000620174.1), dbSNP rs1562148727, ClinGen allele CA362988423.
Genomic context (GRCh38, chr6:24,658,597, plus strand): 5'-TTAAATAGAAGTGATAATACTTACAAAGCTAAGTAGGAACACACCCCTCGAGCCCTCTCT[G>C]ACAGATTGTTTAGATCTAATCCATCAATATTCCAGGTAATGAGAGAGAACATGCTGCCAT-3'